The following is an entry in ClinVar:

NM_001042492.3(NF1):c.7366_7370del (p.Leu2455_Lys2456insTer)

Gene: NF1 (neurofibromin 1; plus strand). Cytogenetic location: 17q11.2.
Variant type: Deletion.
Coding change: c.7366_7370del on transcript NM_001042492.3 (MANE Select); coding-DNA positions 7366 to 7370, 5 bases deleted (AAACA; older notation c.7366_7370delAAACA).
Protein change: p.Leu2455_Lys2456insTer.
Molecular consequence: nonsense. On other transcripts: frameshift variant (1).
Genome position (GRCh38, 1-based): chr17:31,350,227-31,350,231, AAACA deleted; deleting any 5 consecutive bases within chr17:31,350,226-31,350,231 gives the same sequence; the c. name uses the placement nearest the transcript's 3' end. VCF-style (leftmost placement, unchanged base first): chr17-31350225-TAAAAC-T. GRCh37 (hg19) VCF-style: chr17-29677243-TAAAAC-T.
Other names: c.7303_7307delAAACA, p.Lys2435Terfs (NM_000267.4).
Identifiers: ClinVar variation 1438039 (VCV001438039.6), dbSNP rs2151574380, ClinGen allele CA2573153830.

ClinVar aggregate classification (germline): Pathogenic (1 of 4 stars; one submission).

Conditions:
Neurofibromatosis, type 1 (NF1). Also called: Peripheral type neurofibromatosis; VON RECKLINGHAUSEN DISEASE; NEUROFIBROMATOSIS, TYPE I, SOMATIC; Neurofibromatosis, type I. Identifiers: Orphanet 636, MedGen C0027831, MONDO:0018975, OMIM 162200. Disease mechanism: loss of function.

Submission:

Labcorp Genetics (formerly Invitae), Labcorp
Classification: Pathogenic for Neurofibromatosis, type 1. Last evaluated: 2021-10-13. Review status: criteria provided, single submitter. Criteria: Invitae Variant Classification Sherloc (09022015). Collection method: clinical testing. Allele origin: germline.
Comment: This variant is not present in population databases (ExAC no frequency). This variant has not been reported in the literature in individuals affected with NF1-related conditions. This sequence change creates a premature translational stop signal (p.Lys2435*) in the NF1 gene. It is expected to result in an absent or disrupted protein product. Loss-of-function variants in NF1 are known to be pathogenic (PMID: 10712197, 23913538). For these reasons, this variant has been classified as Pathogenic.

Literature cited by the submitters: PubMed 10712197; PubMed 23913538.